The following is an entry in ClinVar:

NM_153021.5(PLB1):c.1427G>A (p.Arg476Gln)

Gene: PLB1 (phospholipase B1; plus strand). Cytogenetic location: 2p23.2.
Variant type: single nucleotide variant.
Coding change: c.1427G>A on transcript NM_153021.5 (MANE Select); coding-DNA position 1427, G replaced by A.
Protein change: p.Arg476Gln; replaces arginine 476 with glutamine.
Molecular consequence: missense variant. On other transcripts: non-coding transcript variant (1).
Genome position (GRCh38, 1-based): chr2:28,573,299, G>A. VCF-style: chr2-28573299-G-A. GRCh37 (hg19) VCF-style: chr2-28796166-G-A.
Other names: c.1460G>A, p.Arg487Gln (NM_001170585.2); short protein forms R487Q, R476Q.
Identifiers: ClinVar variation 5026812 (VCV005026812.1).
Genomic context (GRCh38, chr2:28,573,299, plus strand): 5'-TTGGCACTGGGAAAGAAACCAGTCCTAATGCCTTCTTAAACCAGGCTGTGGCAGGAGGCC[G>A]AGCTGAGTAAGCAGGGGTGACCGGGGCGGTGAACAGCACAGGTCCTCTGAGGACCAGGGG-3'
Protein context (NP_694566.4, residues 466-486): AFLNQAVAGG[Arg476Gln]AEDLPVQARR

ClinVar aggregate classification (germline): Uncertain significance (1 of 4 stars; one submission).

gnomAD v4.1: 53 of 1,612,372 alleles (0.0033%); highest among the groups gnomAD compares: Admixed American, 0.062%; no homozygotes.

Submission:

Ambry Genetics
Classification: Uncertain significance. Last evaluated: 2026-07-03. Review status: criteria provided, single submitter. Criteria: Ambry Variant Classification Scheme 2023. Collection method: clinical testing. Allele origin: germline.
Comment: The c.1427G>A (p.R476Q) alteration is located in exon 21 (coding exon 21) of the PLB1 gene. This alteration results from a G to A substitution at nucleotide position 1427, causing the arginine (R) at amino acid position 476 to be replaced by a glutamine (Q). Based on data from gnomAD, the A allele has an overall frequency of 0.005% (13/251194) total alleles studied. The highest observed frequency was 0.038% (13/34552) of Latino alleles. Based on insufficient or conflicting evidence, the clinical significance of this alteration remains unclear.